The following is an entry in ClinVar:

NM_181303.2(NLGN3):c.594T>C (p.Gly198=)

Gene: NLGN3 (neuroligin 3; plus strand). Cytogenetic location: Xq13.1.
Variant type: single nucleotide variant.
Coding change: c.594T>C on transcript NM_181303.2 (MANE Select); coding-DNA position 594, T replaced by C.
Protein change: p.Gly198=; no amino-acid change (glycine 198 retained).
Molecular consequence: synonymous variant.
Genome position (GRCh38, 1-based): chrX:71,155,230, T>C. VCF-style: chrX-71155230-T-C. GRCh37 (hg19) VCF-style: chrX-70375080-T-C.
Other names: c.474T>C, p.Gly158= (NM_001166660.2); c.183T>C, p.Gly61= (NM_001321276.2); c.534T>C, p.Gly178= (NM_018977.4).
Identifiers: ClinVar variation 95927 (VCV000095927.16), dbSNP rs144247281, ClinGen allele CA149051.
Genomic context (GRCh38, chrX:71,155,230, plus strand): 5'-AAGGGCATCCCACCCAGCCTGTGTCTCACCCCTTCTCCTTGCAGACATCCGGGACAGTGG[T>C]GCTAAACCCGTCATGGTCTACATCCACGGAGGCTCTTACATGGAAGGGACAGGCAACATG-3'
Protein context (NP_851820.1, residues 188-208): GDEDEDIRDS[Gly198=]AKPVMVYIHG

ClinVar aggregate classification (germline): Benign/Likely benign. Review status: criteria provided, multiple submitters, no conflicts (2 of 4 stars). 5 submissions from 5 submitters: Benign (1); Likely benign (3). 1 of the submissions does not count toward it. Last evaluated 2024-11-20.

Conditions:
NLGN3-related disorder. Also called: NLGN3-related condition.
Inborn genetic diseases. Identifiers: MedGen C0950123, MeSH D030342.

Allele frequency attached by ClinVar (database versions not stated): 1000 Genomes Project 0.00053; gnomAD 0.00053 and 0.00061; TOPMed 0.00062; gnomAD exomes 0.00070 and 0.00079; 1000 Genomes Project 30x 0.00083; ExAC 0.00087; ESP Exome Variant Server 0.00114.
gnomAD v4.1: 935 of 1,210,294 alleles (0.077%); highest among the groups gnomAD compares: Middle Eastern, 0.3%; no homozygotes.

Submissions (5):

Blueprint Genetics
Classification: Likely benign. Last evaluated: 2024-11-20. Review status: criteria provided, single submitter. Criteria: ACMG Guidelines, 2015. Collection method: clinical testing. Allele origin: germline.

Genetic Services Laboratory, University of Chicago
Classification: Likely benign. Last evaluated: 2016-05-19. Review status: criteria provided, single submitter. Criteria: ACMG Guidelines, 2015. Collection method: clinical testing. Allele origin: germline. Affected: no.

Ambry Genetics
Classification: Likely benign for Inborn genetic diseases. Last evaluated: 2016-01-19. Review status: criteria provided, single submitter. Criteria: Ambry Variant Classification Scheme 2023. Collection method: clinical testing. Allele origin: germline.

Eurofins Ntd Llc (ga)
Classification: Benign. Last evaluated: 2015-04-03. Review status: criteria provided, single submitter. Criteria: EGL Classification Definitions 2015. Collection method: clinical testing. Allele origin: germline. Observed: 2 variant alleles, 1 heterozygote, 1 hemizygote.

PreventionGenetics, part of Exact Sciences
Classification: Likely benign for NLGN3-related condition. Last evaluated: 2019-08-27. Review status: no assertion criteria provided. Collection method: clinical testing. Allele origin: germline. Not counted in ClinVar's aggregate classification.
Comment: This variant is classified as likely benign based on ACMG/AMP sequence variant interpretation guidelines (Richards et al. 2015 PMID: 25741868, with internal and published modifications).